The following is an entry in ClinVar:

ClinVar aggregate classification (germline): Conflicting classifications of pathogenicity. Review status: criteria provided, conflicting classifications (1 of 4 stars). 4 submissions from 4 submitters: Pathogenic (1); Uncertain significance (3). Last evaluated 2023-07-04.

Conditions:
Retinitis pigmentosa (RP). Identifiers: Orphanet 791, MedGen C0035334, MeSH D012174, MONDO:0019200, OMIM 268000. Inheritance: Autosomal dominant, autosomal recessive and X linked inheritance.

Allele frequency attached by ClinVar (database versions not stated): gnomAD exomes 0.00001; TOPMed 0.00002.
gnomAD v4.1: 10 of 1,550,266 alleles (0.00065%); highest among the groups gnomAD compares: African/African-American, 0.0014%; no homozygotes.

Submissions (4):

Blueprint Genetics
Classification: Uncertain significance. Last evaluated: 2023-07-04. Review status: criteria provided, single submitter. Criteria: ACMG Guidelines, 2015. Collection method: clinical testing. Allele origin: germline.

Molecular Genetics Laboratory, Institute for Ophthalmic Research
Classification: Pathogenic for Retinitis pigmentosa. Last evaluated: 2020-01-09. Review status: criteria provided, single submitter. Criteria: ACMG Guidelines, 2015. Collection method: research. Allele origin: germline. Affected: yes.

GeneDx
Classification: Uncertain significance. Last evaluated: 2019-05-13. Review status: criteria provided, single submitter. Criteria: GeneDx Variant Classification Process June 2021. Collection method: clinical testing. Allele origin: germline. Affected: yes.
Comment: Not observed at a significant frequency in large population cohorts (Lek et al., 2016); In silico analysis, which includes protein predictors and evolutionary conservation, supports a deleterious effect; Has not been previously published as pathogenic or benign to our knowledge

CeGaT Center for Human Genetics Tuebingen
Classification: Uncertain significance. Last evaluated: 2017-01-01. Review status: criteria provided, single submitter. Criteria: CeGaT Center For Human Genetics Tuebingen Variant Classification Criteria Version 2. Collection method: clinical testing. Allele origin: germline. Affected: yes. Observed: 1 variant allele.

NM_001142800.2(EYS):c.8035T>G (p.Cys2679Gly)

Gene: EYS (EGF-like photoreceptor maintenance factor; minus strand). Cytogenetic location: 6q12.
Variant type: single nucleotide variant.
Coding change: c.8035T>G on transcript NM_001142800.2 (MANE Select); coding-DNA position 8035, T replaced by G.
Protein change: p.Cys2679Gly; replaces cysteine 2679 with glycine.
Molecular consequence: missense variant.
Genome position (GRCh38, 1-based): chr6:63,762,497, A>C on the plus strand (T>G on the coding strand, the complement: EYS is on the minus strand). VCF-style: chr6-63762497-A-C. GRCh37 (hg19) VCF-style: chr6-64472390-A-C.
Other names: c.8035T>G, p.Cys2679Gly (NM_001292009.2); short protein forms C2679G.
Identifiers: ClinVar variation 425383 (VCV000425383.47), dbSNP rs1064797324, ClinGen allele CA16621840.
Genomic context (GRCh38, chr6:63,762,497, plus strand): 5'-AAATGATTTGAAATTCTGCCTCACCTTGTTCACAGTAGATTCCAGTGGTTCCTAGAGGAC[A>C]GAAACAGGTGTATCCATGAGGTAATGAAATGCAGGTTGCTCCTCTGCTACAGTGGTGTGG-3'
Protein context (NP_001136272.1, residues 2669-2689): ISLPHGYTCF[Cys2679Gly]PLGTTGIYCE